The following is an entry in ClinVar:

NM_001002836.4(ZNF787):c.79+294G>A

Gene: ZNF787 (zinc finger protein 787; minus strand). Cytogenetic location: 19q13.43.
Variant type: single nucleotide variant.
Coding change: c.79+294G>A on transcript NM_001002836.4 (MANE Select); 294 bases into the intron after coding-DNA position 79, G replaced by A.
Molecular consequence: intron variant. On other transcripts: missense variant (1).
Genome position (GRCh38, 1-based): chr19:56,102,845, C>T on the plus strand (G>A on the coding strand, the complement: ZNF787 is on the minus strand). VCF-style: chr19-56102845-C-T. GRCh37 (hg19) VCF-style: chr19-56614214-C-T.
Other names: c.373G>A, p.Val125Ile (NM_001351682.2); short protein forms V125I.
Identifiers: ClinVar variation 3024986 (VCV003024986.22), dbSNP rs150201146, ClinGen allele CA9686589.

ClinVar aggregate classification (germline): Likely benign (1 of 4 stars; one submission).

Allele frequency attached by ClinVar (database versions not stated): 1000 Genomes Project 30x 0.00187; 1000 Genomes Project 0.00220; gnomAD 0.00426; gnomAD exomes 0.00552; ExAC 0.00990.
gnomAD v4.1: 3,667 of 699,150 alleles (0.52%); highest among the groups gnomAD compares: South Asian, 0.77%; 16 homozygotes.

Submission:

CeGaT Center for Human Genetics Tuebingen
Classification: Likely benign. Last evaluated: 2024-02-01. Review status: criteria provided, single submitter. Criteria: CeGaT Center For Human Genetics Tuebingen Variant Classification Criteria Version 2. Collection method: clinical testing. Allele origin: germline. Affected: yes. Observed: 1 variant allele.
Comment: ZNF787: BS2